The following is an entry in ClinVar:

NM_006389.5(HYOU1):c.2888-11T>C

Gene: HYOU1 (hypoxia up-regulated 1; minus strand). Cytogenetic location: 11q23.3.
Variant type: single nucleotide variant.
Coding change: c.2888-11T>C on transcript NM_006389.5 (MANE Select); 11 bases into the intron before coding-DNA position 2888, T replaced by C.
Molecular consequence: intron variant.
Genome position (GRCh38, 1-based): chr11:119,045,842, A>G on the plus strand (T>C on the coding strand, the complement: HYOU1 is on the minus strand). VCF-style: chr11-119045842-A-G. GRCh37 (hg19) VCF-style: chr11-118916554-A-G.
Other names: c.2888-11T>C (NM_001130991.3).
Identifiers: ClinVar variation 2023955 (VCV002023955.4), dbSNP rs2497083137, ClinGen allele CA2580083606.

ClinVar aggregate classification (germline): Uncertain significance (1 of 4 stars; one submission).

Submission:

Labcorp Genetics (formerly Invitae), Labcorp
Classification: Uncertain significance. Last evaluated: 2022-10-14. Review status: criteria provided, single submitter. Criteria: Invitae Variant Classification Sherloc (09022015). Collection method: clinical testing. Allele origin: germline.
Comment: In summary, the available evidence is currently insufficient to determine the role of this variant in disease. Therefore, it has been classified as a Variant of Uncertain Significance. This variant has not been reported in the literature in individuals affected with HYOU1-related conditions. This variant is not present in population databases (gnomAD no frequency). This sequence change falls in intron 24 of the HYOU1 gene. It does not directly change the encoded amino acid sequence of the HYOU1 protein.